The following is an entry in ClinVar:

ClinVar aggregate classification (germline): Benign (1 of 4 stars; one submission).

Conditions:
Fanconi anemia complementation group J. Also called: BRIP1-Related Fanconi Anemia. Identifiers: Orphanet 84, MedGen C1836860, MONDO:0012187, OMIM 609054.

Allele frequency attached by ClinVar (database versions not stated): gnomAD exomes 0.00061; gnomAD 0.00553 and 0.00585; TOPMed 0.00601; 1000 Genomes Project 0.00719; 1000 Genomes Project 30x 0.00781.
gnomAD v4.1: 986 of 395,252 alleles (0.25%); highest among the groups gnomAD compares: African/African-American, 1.9%; 4 homozygotes.

Submission:

Illumina Laboratory Services, Illumina
Classification: Benign for Fanconi anemia complementation group J. Last evaluated: 2018-01-13. Review status: criteria provided, single submitter. Criteria: ICSL Variant Classification Criteria 13 December 2019. Collection method: clinical testing. Allele origin: germline.
Comment: This variant was observed in the ICSL laboratory as part of a predisposition screen in an ostensibly healthy population. It had not been previously curated by ICSL or reported in the Human Gene Mutation Database (HGMD: prior to June 1st, 2018), and was therefore a candidate for classification through an automated scoring system. Utilizing variant allele frequency, disease prevalence and penetrance estimates, and inheritance mode, an automated score was calculated to assess if this variant is too frequent to cause the disease. Based on the score and internal cut-off values, a variant classified as benign is not then subjected to further curation. The score for this variant resulted in a classification of benign for this disease.

NM_032043.3(BRIP1):c.*280G>C

Gene: BRIP1 (BRCA1 interacting DNA helicase 1; minus strand). Cytogenetic location: 17q23.2.
Variant type: single nucleotide variant.
Coding change: c.*280G>C on transcript NM_032043.3 (MANE Select); 280 bases downstream of the stop codon, G replaced by C.
Molecular consequence: 3 prime UTR variant.
Genome position (GRCh38, 1-based): chr17:61,683,016, C>G on the plus strand (G>C on the coding strand, the complement: BRIP1 is on the minus strand). VCF-style: chr17-61683016-C-G. GRCh37 (hg19) VCF-style: chr17-59760377-C-G.
Identifiers: ClinVar variation 324342 (VCV000324342.5), dbSNP rs189935192, ClinGen allele CA10650612.